The following is an entry in ClinVar:

NM_004320.6(ATP2A1):c.44A>G (p.Tyr15Cys)

Gene: ATP2A1 (ATPase sarcoplasmic/endoplasmic reticulum Ca2+ transporting 1; plus strand). Cytogenetic location: 16p11.2.
Variant type: single nucleotide variant.
Coding change: c.44A>G on transcript NM_004320.6 (MANE Select); coding-DNA position 44, A replaced by G.
Protein change: p.Tyr15Cys; replaces tyrosine 15 with cysteine.
Molecular consequence: missense variant.
Genome position (GRCh38, 1-based): chr16:28,878,715, A>G. VCF-style: chr16-28878715-A-G. GRCh37 (hg19) VCF-style: chr16-28890036-A-G.
Other names: c.44A>G, p.Tyr15Cys (NM_173201.5); short protein forms Y15C.
Identifiers: ClinVar variation 2185676 (VCV002185676.4), dbSNP rs371085493, ClinGen allele CA7986479.
Genomic context (GRCh38, chr16:28,878,715, plus strand): 5'-CCCAGGAAGGGAGCACAATGGAGGCCGCTCATGCTAAAACCACGGAGGAATGTTTGGCCT[A>G]TTTTGGGGTGAGTGAGACCACGGGCCTCACCCCGGACCAAGTTAAGCGGAATCTGGAGAA-3'
Protein context (NP_004311.1, residues 5-25): HAKTTEECLA[Tyr15Cys]FGVSETTGLT

ClinVar aggregate classification (germline): Uncertain significance (1 of 4 stars; one submission).

Conditions:
Brody myopathy. Also called: BRODY DISEASE. Identifiers: Orphanet 53347, MedGen C1832918, MONDO:0010977, OMIM 601003.

Allele frequency attached by ClinVar (database versions not stated): ExAC 0.00001; gnomAD 0.00001; TOPMed 0.00001; ESP Exome Variant Server 0.00008.
gnomAD v4.1: 32 of 1,612,150 alleles (0.002%); highest among the groups gnomAD compares: African/African-American, 0.0027%; no homozygotes.

Submission:

Labcorp Genetics (formerly Invitae), Labcorp
Classification: Uncertain significance for Brody myopathy. Last evaluated: 2022-06-18. Review status: criteria provided, single submitter. Criteria: Invitae Variant Classification Sherloc (09022015). Collection method: clinical testing. Allele origin: germline.
Comment: In summary, the available evidence is currently insufficient to determine the role of this variant in disease. Therefore, it has been classified as a Variant of Uncertain Significance. Algorithms developed to predict the effect of missense changes on protein structure and function are either unavailable or do not agree on the potential impact of this missense change (SIFT: "Deleterious"; PolyPhen-2: "Probably Damaging"; Align-GVGD: "Class C0"). This variant has not been reported in the literature in individuals affected with ATP2A1-related conditions. This variant is present in population databases (rs371085493, gnomAD 0.003%). This sequence change replaces tyrosine, which is neutral and polar, with cysteine, which is neutral and slightly polar, at codon 15 of the ATP2A1 protein (p.Tyr15Cys).